The following is an entry in ClinVar:

Conditions:
Breast-ovarian cancer, familial, susceptibility to, 1 (BROVCA1). Also called: BRCA1 Hereditary Breast and Ovarian Cancer; OVARIAN CANCER, SUSCEPTIBILITY TO. Identifiers: Orphanet 145, MedGen C2676676, MONDO:0011450, OMIM 604370. Disease mechanism: loss of function.

Submission:

Brotman Baty Institute, University of Washington
No classification provided (evidence only). Condition: Breast-ovarian cancer, familial 1. Review status: no classification provided. Collection method: in vitro. Allele origin: not applicable. Functional consequence: functionally_normal.
ClinVar note: "not provided" was previously submitted as the classification for the variant. However, the classification appeared to be based only on an observation of functional data so it was converted to no classification on 2025-07-30.

NM_007294.4(BRCA1):c.5278-20C>A

Gene: BRCA1 (BRCA1 DNA repair associated; minus strand). Cytogenetic location: 17q21.31.
Variant type: single nucleotide variant.
Coding change: c.5278-20C>A on transcript NM_007294.4 (MANE Select); 20 bases into the intron before coding-DNA position 5278, C replaced by A.
Molecular consequence: intron variant.
Genome position (GRCh38, 1-based): chr17:43,051,137, G>T on the plus strand (C>A on the coding strand, the complement: BRCA1 is on the minus strand). VCF-style: chr17-43051137-G-T. GRCh37 (hg19) VCF-style: chr17-41203154-G-T.
Other names: c.1825-20C>A (NM_001408458.1, NM_001408461.1, NM_001408464.1 and 7 more transcripts); c.4387-20C>A (NM_001407967.1); c.4897-20C>A (NM_001407959.1); c.5011-20C>A (NM_001407931.1, NM_001407932.1, NM_001407928.1 and 4 more transcripts); c.5134-20C>A (NM_001407747.1, NM_001407745.1, NM_001407737.1 and 21 more transcripts); c.4894-20C>A (NM_001407962.1, NM_001407960.1); c.1465-20C>A (NM_001408512.1); c.1588-20C>A (NM_001408510.1); and 74 more.
Identifiers: ClinVar variation 865242 (VCV000865242.3), dbSNP rs193149108, ClinGen allele CA916081106.